The following is an entry in ClinVar:

NM_006269.2(RP1):c.664G>A (p.Ala222Thr)

Gene: RP1 (RP1 axonemal microtubule associated; plus strand). Cytogenetic location: 8q12.1.
Variant type: single nucleotide variant.
Coding change: c.664G>A on transcript NM_006269.2 (MANE Select); coding-DNA position 664, G replaced by A.
Protein change: p.Ala222Thr; replaces alanine 222 with threonine.
Molecular consequence: missense variant.
Genome position (GRCh38, 1-based): chr8:54,622,165, G>A. VCF-style: chr8-54622165-G-A. GRCh37 (hg19) VCF-style: chr8-55534725-G-A.
Other names: c.664G>A, p.Ala222Thr (NM_001375654.1); c.664G>A (NM_006269.1); short protein forms A222T.
Identifiers: ClinVar variation 2035191 (VCV002035191.5), dbSNP rs369804244, ClinGen allele CA177234805.

ClinVar aggregate classification (germline): Uncertain significance. Review status: criteria provided, multiple submitters, no conflicts (2 of 4 stars). 2 submissions from 2 submitters: Uncertain significance (2). Last evaluated 2026-02-28.

Conditions:
Inborn genetic diseases. Identifiers: MedGen C0950123, MeSH D030342.

Allele frequency attached by ClinVar (database versions not stated): gnomAD 0.00001; TOPMed 0.00001; ESP Exome Variant Server 0.00008.

Submissions (2):

Ambry Genetics
Classification: Uncertain significance for Inborn genetic diseases. Last evaluated: 2026-02-28. Review status: criteria provided, single submitter. Criteria: Ambry Variant Classification Scheme 2023. Collection method: clinical testing. Allele origin: germline.

Labcorp Genetics (formerly Invitae), Labcorp
Classification: Uncertain significance. Last evaluated: 2024-10-25. Review status: criteria provided, single submitter. Criteria: Invitae Variant Classification Sherloc (09022015). Collection method: clinical testing. Allele origin: germline.
Comment: This sequence change replaces alanine, which is neutral and non-polar, with threonine, which is neutral and polar, at codon 222 of the RP1 protein (p.Ala222Thr). This variant is not present in population databases (gnomAD no frequency). This variant has not been reported in the literature in individuals affected with RP1-related conditions. ClinVar contains an entry for this variant (Variation ID: 2035191). An algorithm developed to predict the effect of missense changes on protein structure and function (PolyPhen-2) suggests that this variant is likely to be disruptive. In summary, the available evidence is currently insufficient to determine the role of this variant in disease. Therefore, it has been classified as a Variant of Uncertain Significance.